The following is an entry in ClinVar:

NM_001267550.2(TTN):c.21829A>G (p.Asn7277Asp)

Gene: TTN (titin; minus strand). Cytogenetic location: 2q31.2.
Variant type: single nucleotide variant.
Coding change: c.21829A>G on transcript NM_001267550.2 (MANE Select); coding-DNA position 21829, A replaced by G.
Protein change: p.Asn7277Asp; replaces asparagine 7277 with aspartic acid.
Molecular consequence: missense variant. On other transcripts: intron variant (3).
Genome position (GRCh38, 1-based): chr2:178,723,178, T>C on the plus strand (A>G on the coding strand, the complement: TTN is on the minus strand). VCF-style: chr2-178723178-T-C. GRCh37 (hg19) VCF-style: chr2-179587905-T-C.
Other names: c.20878A>G, p.Asn6960Asp (NM_001256850.1); c.18097A>G, p.Asn6033Asp (NM_133378.4); c.13282+14904A>G (NM_003319.4); c.13858+14904A>G (NM_133437.4); c.13657+14904A>G (NM_133432.3); short protein forms N6033D, N7277D, N6960D.
Identifiers: ClinVar variation 282831 (VCV000282831.9), dbSNP rs758247611, ClinGen allele CA2000941.

ClinVar aggregate classification (germline): Uncertain significance. Review status: criteria provided, multiple submitters, no conflicts (2 of 4 stars). 3 submissions from 3 submitters: Uncertain significance (3). Last evaluated 2025-11-13.

Conditions:
TTN-related disorder. Also called: TTN-related condition; TTN-related disease; TTN-related disorders.

Allele frequency attached by ClinVar (database versions not stated): gnomAD exomes below 0.00001 and 0.00001; ExAC 0.00001; gnomAD 0.00003; TOPMed 0.00003.
gnomAD v4.1: 8 of 1,613,452 alleles (0.0005%); highest among the groups gnomAD compares: African/African-American, 0.011%; no homozygotes.

Submissions (3):

PreventionGenetics, part of Exact Sciences
Classification: Uncertain significance for TTN-related condition. Last evaluated: 2025-11-13. Review status: criteria provided, single submitter. Criteria: ACMG Guidelines, 2015. Collection method: clinical testing. Allele origin: germline.
Comment: The TTN c.21829A>G variant is predicted to result in the amino acid substitution p.Asn7277Asp. To our knowledge, this variant has not been reported in the literature. This variant is reported in 0.012% of alleles in individuals of African descent in gnomAD. At this time, the clinical significance of this variant is uncertain due to the absence of conclusive functional and genetic evidence.

Revvity Omics, Revvity
Classification: Uncertain significance. Last evaluated: 2020-03-30. Review status: criteria provided, single submitter. Criteria: ACMG Guidelines, 2015. Collection method: clinical testing. Allele origin: germline.

Eurofins Ntd Llc (ga)
Classification: Uncertain significance. Last evaluated: 2015-08-18. Review status: criteria provided, single submitter. Criteria: EGL Classification Definitions 2015. Collection method: clinical testing. Allele origin: germline. Observed: 1 variant allele, 1 heterozygote.